The following is an entry in ClinVar:

ClinVar aggregate classification (germline): Likely pathogenic (1 of 4 stars; one submission).

Conditions:
ADCY3-related disorder. Also called: ADCY3-related condition.

Submission:

PreventionGenetics, part of Exact Sciences
Classification: Likely pathogenic for ADCY3-related condition. Last evaluated: 2026-04-08. Review status: criteria provided, single submitter. Criteria: ACMG Guidelines, 2015. Collection method: clinical testing. Allele origin: germline.
Comment: The ADCY3 c.3026_3027delAG variant is predicted to result in a frameshift and premature protein termination (p.Glu1009Alafs*7). To our knowledge, this variant has not been reported in the literature or in a large population database (gnomAD), indicating this variant is rare. Frameshift variants in ADCY3 are expected to be pathogenic. This variant is interpreted as likely pathogenic.

NM_004036.5(ADCY3):c.3023_3024del (p.Glu1008fs)

Genes: ADCY3 (adenylate cyclase 3; minus strand), CENPO (centromere protein O; plus strand). Cytogenetic location: 2p23.3.
Variant type: Microsatellite.
Coding change: c.3023_3024del on transcript NM_004036.5 (MANE Select); coding-DNA positions 3023 to 3024, 2 bases deleted (AG; older notation c.3023_3024delAG).
Protein change: p.Glu1008fs; shifts the reading frame from glutamic acid 1008.
Molecular consequence: frameshift variant. On other transcripts: 3 prime UTR variant (3), non-coding transcript variant (3).
Genome position (GRCh38, 1-based): chr2:24,821,620-24,821,621, CT deleted on the plus strand (AG on the coding strand, the reverse complement: ADCY3 is on the minus strand); deleting any 2 consecutive bases within chr2:24,821,620-24,821,628 gives the same sequence; the c. name uses the placement nearest the transcript's 3' end. VCF-style (leftmost placement, unchanged base first): chr2-24821619-GCT-G. GRCh37 (hg19) VCF-style: chr2-25044488-GCT-G.
Other names: c.3026_3027del, p.Glu1009fs (NM_001320613.2); c.3089_3090del, p.Glu1030fs (NM_001377128.1); c.2885_2886del, p.Glu962fs (NM_001377129.1); c.2471_2472del, p.Glu824fs (NM_001377130.1); c.2300_2301del, p.Glu767fs (NM_001377131.1); c.3023_3024del, p.Glu1008fs (NM_001377132.1); c.*2303TC[3] (NM_001199803.3, NM_001322101.2, NM_024322.4); short protein forms E1030fs, E824fs, E1009fs, E962fs, E1008fs, E767fs.
Identifiers: ClinVar variation 4984155 (VCV004984155.1).
Genomic context (GRCh38, chr2:24,821,619, plus strand): 5'-TGGTGAGCGTATCCTTCATGGCCAGCGCGAAGTCGGCCAGGTCAGCCAGGTGCTGCCAGC[GCT>G]CTCTCTCGGACTTGTCTTCCTGTGCCAGGGGACCGTGGAGAAAGTGTCAGGGGCCGCTCA-3'